The following is an entry in ClinVar:

NM_001377265.1(MAPT):c.220+2504G>A

Gene: MAPT (microtubule associated protein tau). Cytogenetic location: 17q21.31.
Variant type: single nucleotide variant.
Coding change: c.220+2504G>A on transcript NM_001377265.1 (MANE Select); 2504 bases into the intron after coding-DNA position 220, G replaced by A.
Molecular consequence: intron variant. On other transcripts: synonymous variant (4).
Genome position (GRCh38, 1-based): chr17:45,974,449, G>A. VCF-style: chr17-45974449-G-A. GRCh37 (hg19) VCF-style: chr17-44051815-G-A.
Other names: c.285G>A, p.Thr95= (NM_001123066.4, NM_001203252.2, NM_005910.6 and 1 more transcripts); c.134-3926G>A (NM_001377268.1, NM_016834.5, NM_016841.5); c.220+2504G>A (NM_001377266.1, NM_001123067.4, NM_001203251.2 and 1 more transcripts).
Identifiers: ClinVar variation 4282065 (VCV004282065.2).
Genomic context (GRCh38, chr17:45,974,449, plus strand): 5'-GACAGCACCCTTAGTGGATGAGGGAGCTCCCGGCAAGCAGGCTGCCGCGCAGCCCCACAC[G>A]GAGATCCCAGAAGGAACCACAGGTGAGGGTAAGCCCCAGAGACCCCCAGGCAGTCAAGGC-3'

ClinVar aggregate classification (germline): Conflicting classifications of pathogenicity. Review status: criteria provided, conflicting classifications (1 of 4 stars). 2 submissions from 2 submitters: Uncertain significance (1); Likely benign (1). Last evaluated 2025-04-10.

Conditions:
Frontotemporal dementia (FTD1). Also called: Frontotemporal lobe dementia (FLDEM); FRONTOTEMPORAL DEMENTIA WITH PARKINSONISM; FRONTOTEMPORAL LOBE DEMENTIA; MULTIPLE SYSTEM TAUOPATHY WITH PRESENILE DEMENTIA; WILHELMSEN-LYNCH DISEASE; Dementia, frontotemporal, with or without parkinsonism. Identifiers: Orphanet 282, MedGen C0338451, MONDO:0017276, OMIM 600274, HP:0002145.

gnomAD v4.1: 47 of 1,607,506 alleles (0.0029%); highest among the groups gnomAD compares: African/African-American, 0.015%; no homozygotes.

Submissions (2):

GeneDx
Classification: Uncertain significance. Last evaluated: 2025-04-10. Review status: criteria provided, single submitter. Criteria: GeneDx Variant Classification Process June 2021. Collection method: clinical testing. Allele origin: germline. Affected: yes.
Comment: Has not been previously published as pathogenic or benign to our knowledge; In silico analysis is inconclusive as to whether the variant alters gene splicing. In the absence of RNA/functional studies, the actual effect of this sequence change is unknown.

Labcorp Genetics (formerly Invitae), Labcorp
Classification: Likely benign for Frontotemporal dementia. Last evaluated: 2025-02-13. Review status: criteria provided, single submitter. Criteria: Invitae Variant Classification Sherloc (09022015). Collection method: clinical testing. Allele origin: germline.